The following is an entry in ClinVar:

ClinVar aggregate classification (germline): Uncertain significance. Review status: criteria provided, multiple submitters, no conflicts (2 of 4 stars). 2 submissions from 2 submitters: Uncertain significance (2). Last evaluated 2026-02-27.

Conditions:
Inborn genetic diseases. Identifiers: MedGen C0950123, MeSH D030342.
Wilms tumor 1 (WT1). Also called: Wilms tumor, somatic. Identifiers: Orphanet 654, MedGen CN033288, MONDO:0008679, OMIM 194070.
11p partial monosomy syndrome (WAGR). Also called: CHROMOSOME 11p13 DELETION SYNDROME; WAGR syndrome; WAGR Spectrum Disorder; WAGR Complex. Identifiers: Orphanet 893, MedGen C0206115, MONDO:0008681, OMIM 194072.
Drash syndrome (DDS). Also called: NEPHROPATHY, WILMS TUMOR, AND GENITAL ANOMALIES; WILMS TUMOR AND PSEUDO- OR TRUE HERMAPHRODITISM. Identifiers: Orphanet 220, MedGen C0950121, MONDO:0008682, OMIM 194080.
Frasier syndrome. Identifiers: Orphanet 347, MedGen C0950122, MeSH D052159, MONDO:0007635, OMIM 136680.

Submissions (2):

Ambry Genetics
Classification: Uncertain significance for Inborn genetic diseases. Last evaluated: 2026-02-27. Review status: criteria provided, single submitter. Criteria: Ambry Variant Classification Scheme 2023. Collection method: clinical testing. Allele origin: germline.
Comment: The p.H16R variant (also known as c.47A>G), located in coding exon 1 of the WT1 gene, results from an A to G substitution at nucleotide position 47. The histidine at codon 16 is replaced by arginine, an amino acid with highly similar properties. This amino acid position is conserved. In addition, this alteration is predicted to be tolerated by in silico analysis. Based on the available evidence, the clinical significance of this variant remains unclear.

Labcorp Genetics (formerly Invitae), Labcorp
Classification: Uncertain significance for Wilms tumor 1; Drash syndrome; 11p partial monosomy syndrome; Frasier syndrome. Last evaluated: 2021-03-02. Review status: criteria provided, single submitter. Criteria: Invitae Variant Classification Sherloc (09022015). Collection method: clinical testing. Allele origin: germline.
Comment: The frequency data for this variant in the population databases is considered unreliable, as metrics indicate insufficient coverage at this position in the ExAC database. This variant has not been reported in the literature in individuals with WT1-related conditions. Algorithms developed to predict the effect of missense changes on protein structure and function output the following: SIFT: "Deleterious"; PolyPhen-2: "Benign"; Align-GVGD: "Class C0". The arginine amino acid residue is found in multiple mammalian species, suggesting that this missense change does not adversely affect protein function. These predictions have not been confirmed by published functional studies and their clinical significance is uncertain. In summary, the available evidence is currently insufficient to determine the role of this variant in disease. Therefore, it has been classified as a Variant of Uncertain Significance. This sequence change replaces histidine with arginine at codon 16 of the WT1 protein (p.His16Arg). The histidine residue is weakly conserved and there is a small physicochemical difference between histidine and arginine.

NM_024426.6(WT1):c.62A>G (p.His21Arg)

Genes: WT1 (WT1 transcription factor; minus strand), LOC107982234 (WT1/WT1-AS bi-directional promoter region; plus strand). Cytogenetic location: 11p13.
Variant type: single nucleotide variant.
Coding change: c.62A>G on transcript NM_024426.6 (MANE Select); coding-DNA position 62, A replaced by G.
Protein change: p.His21Arg; replaces histidine 21 with arginine.
Molecular consequence: missense variant. On other transcripts: non-coding transcript variant (1).
Genome position (GRCh38, 1-based): chr11:32,435,299, T>C on the plus strand (A>G on the coding strand, the complement: WT1 is on the minus strand). VCF-style: chr11-32435299-T-C. GRCh37 (hg19) VCF-style: chr11-32456845-T-C.
Other names: c.62A>G, p.His21Arg (NM_000378.6, NM_024424.5); c.47A>G (NM_024426.4); short protein forms H21R.
Identifiers: ClinVar variation 1434182 (VCV001434182.9), dbSNP rs1853481014, ClinGen allele CA379966465.